The following is an entry in ClinVar:

ClinVar aggregate classification (germline): Uncertain significance (1 of 4 stars; one submission).

Conditions:
Congenital myasthenic syndrome 9. Also called: Myasthenic syndrome, congenital, 9, associated with acetylcholine receptor deficiency. Identifiers: Orphanet 590, MedGen C4225368, MONDO:0014587, OMIM 616325.
Fetal akinesia deformation sequence 1 (FADS1). Also called: Fetal akinesia sequence; Pena-Shokeir syndrome type I. Identifiers: Orphanet 994, MedGen C1276035, MONDO:0100101, OMIM 208150, HP:0001989.

Allele frequency attached by ClinVar (database versions not stated): TOPMed below 0.00001.
gnomAD v4.1: 10 of 1,613,604 alleles (0.00062%); highest among the groups gnomAD compares: Non-Finnish European, 0.00076%; no homozygotes.

Submission:

Labcorp Genetics (formerly Invitae), Labcorp
Classification: Uncertain significance for Congenital myasthenic syndrome 9; Fetal akinesia deformation sequence 1. Last evaluated: 2022-05-12. Review status: criteria provided, single submitter. Criteria: Invitae Variant Classification Sherloc (09022015). Collection method: clinical testing. Allele origin: germline.
Comment: This sequence change replaces valine, which is neutral and non-polar, with isoleucine, which is neutral and non-polar, at codon 5 of the MUSK protein (p.Val5Ile). This variant is present in population databases (rs765874906, gnomAD 0.002%). This variant has not been reported in the literature in individuals affected with MUSK-related conditions. ClinVar contains an entry for this variant (Variation ID: 1041627). Advanced modeling of protein sequence and biophysical properties (such as structural, functional, and spatial information, amino acid conservation, physicochemical variation, residue mobility, and thermodynamic stability) performed at Invitae indicates that this missense variant is not expected to disrupt MUSK protein function. In summary, the available evidence is currently insufficient to determine the role of this variant in disease. Therefore, it has been classified as a Variant of Uncertain Significance.

NM_005592.4(MUSK):c.13G>A (p.Val5Ile)

Gene: MUSK (muscle associated receptor tyrosine kinase; plus strand). Cytogenetic location: 9q31.3.
Variant type: single nucleotide variant.
Coding change: c.13G>A on transcript NM_005592.4 (MANE Select); coding-DNA position 13, G replaced by A.
Protein change: p.Val5Ile; replaces valine 5 with isoleucine.
Molecular consequence: missense variant.
Genome position (GRCh38, 1-based): chr9:110,668,917, G>A. VCF-style: chr9-110668917-G-A. GRCh37 (hg19) VCF-style: chr9-113431197-G-A.
Other names: c.13G>A, p.Val5Ile (NM_001166280.2, NM_001166281.2); short protein forms V5I.
Identifiers: ClinVar variation 1041627 (VCV001041627.6), dbSNP rs765874906, ClinGen allele CA5183891.